The following is an entry in ClinVar:

NM_001793.6(CDH3):c.2320T>G (p.Tyr774Asp)

Gene: CDH3 (cadherin 3; plus strand). Cytogenetic location: 16q22.1.
Variant type: single nucleotide variant.
Coding change: c.2320T>G on transcript NM_001793.6 (MANE Select); coding-DNA position 2320, T replaced by G.
Protein change: p.Tyr774Asp; replaces tyrosine 774 with aspartic acid.
Molecular consequence: missense variant. On other transcripts: 3 prime UTR variant (1).
Genome position (GRCh38, 1-based): chr16:68,698,230, T>G. VCF-style: chr16-68698230-T-G. GRCh37 (hg19) VCF-style: chr16-68732133-T-G.
Other names: c.*63T>G (NM_001317195.3); c.2155T>G, p.Tyr719Asp (NM_001317196.2); short protein forms Y774D, Y719D.
Identifiers: ClinVar variation 1515670 (VCV001515670.4), dbSNP rs750806169, ClinGen allele CA8129702.

ClinVar aggregate classification (germline): Uncertain significance (1 of 4 stars; one submission).

Allele frequency attached by ClinVar (database versions not stated): ExAC 0.00003; gnomAD 0.00003 and 0.00004; gnomAD exomes 0.00005.
gnomAD v4.1: 20 of 1,614,070 alleles (0.0012%); highest among the groups gnomAD compares: Admixed American, 0.033%; no homozygotes.

Submission:

Labcorp Genetics (formerly Invitae), Labcorp
Classification: Uncertain significance. Last evaluated: 2023-06-26. Review status: criteria provided, single submitter. Criteria: Invitae Variant Classification Sherloc (09022015). Collection method: clinical testing. Allele origin: germline.
Comment: In summary, the available evidence is currently insufficient to determine the role of this variant in disease. Therefore, it has been classified as a Variant of Uncertain Significance. Advanced modeling of protein sequence and biophysical properties (such as structural, functional, and spatial information, amino acid conservation, physicochemical variation, residue mobility, and thermodynamic stability) performed at Invitae indicates that this missense variant is not expected to disrupt CDH3 protein function. ClinVar contains an entry for this variant (Variation ID: 1515670). This variant has not been reported in the literature in individuals affected with CDH3-related conditions. This variant is present in population databases (rs750806169, gnomAD 0.04%). This sequence change replaces tyrosine, which is neutral and polar, with aspartic acid, which is acidic and polar, at codon 774 of the CDH3 protein (p.Tyr774Asp).